The following is an entry in ClinVar:

NM_000165.5(GJA1):c.367G>A (p.Val123Met)

Gene: GJA1 (gap junction protein alpha 1; plus strand). Cytogenetic location: 6q22.31.
Variant type: single nucleotide variant.
Coding change: c.367G>A on transcript NM_000165.5 (MANE Select); coding-DNA position 367, G replaced by A.
Protein change: p.Val123Met; replaces valine 123 with methionine.
Molecular consequence: missense variant.
Genome position (GRCh38, 1-based): chr6:121,447,214, G>A. VCF-style: chr6-121447214-G-A. GRCh37 (hg19) VCF-style: chr6-121768360-G-A.
Other names: short protein forms V123M.
Identifiers: ClinVar variation 4781355 (VCV004781355.1).

ClinVar aggregate classification (germline): Uncertain significance (1 of 4 stars; one submission).

Conditions:
Oculodentodigital dysplasia, autosomal recessive. Also called: OCULODENTOOSSEOUS DYSPLASIA, AUTOSOMAL RECESSIVE; ODDD, AUTOSOMAL RECESSIVE; ODOD, AUTOSOMAL RECESSIVE. Identifiers: Orphanet 2710, MedGen C2749477, MONDO:0009768, OMIM 257850.

Submission:

Labcorp Genetics (formerly Invitae), Labcorp
Classification: Uncertain significance for Oculodentodigital dysplasia, autosomal recessive. Last evaluated: 2025-06-24. Review status: criteria provided, single submitter. Criteria: Invitae Variant Classification Sherloc (09022015). Collection method: clinical testing. Allele origin: germline.
Comment: This sequence change replaces valine, which is neutral and non-polar, with methionine, which is neutral and non-polar, at codon 123 of the GJA1 protein (p.Val123Met). This variant is not present in population databases (gnomAD no frequency). This variant has not been reported in the literature in individuals affected with GJA1-related conditions. Invitae Evidence Modeling of protein sequence and biophysical properties (such as structural, functional, and spatial information, amino acid conservation, physicochemical variation, residue mobility, and thermodynamic stability) has been performed for this missense variant. However, the output from this modeling did not meet the statistical confidence thresholds required to predict the impact of this variant on GJA1 protein function. In summary, the available evidence is currently insufficient to determine the role of this variant in disease. Therefore, it has been classified as a Variant of Uncertain Significance.